The following is an entry in ClinVar:

NM_005228.5(EGFR):c.11C>G (p.Ser4Cys)

Gene: EGFR (epidermal growth factor receptor; plus strand). Cytogenetic location: 7p11.2.
Variant type: single nucleotide variant.
Coding change: c.11C>G on transcript NM_005228.5 (MANE Select); coding-DNA position 11, C replaced by G.
Protein change: p.Ser4Cys; replaces serine 4 with cysteine.
Molecular consequence: missense variant.
Genome position (GRCh38, 1-based): chr7:55,019,288, C>G. VCF-style: chr7-55019288-C-G. GRCh37 (hg19) VCF-style: chr7-55086981-C-G.
Other names: c.11C>G, p.Ser4Cys (NM_001346897.2, NM_001346898.2, NM_001346899.2 and 4 more transcripts); short protein forms S4C.
Identifiers: ClinVar variation 1377958 (VCV001377958.6), dbSNP rs771210838, ClinGen allele CA367611181.

ClinVar aggregate classification (germline): Uncertain significance (1 of 4 stars; one submission).

Conditions:
EGFR-related lung cancer (EGFR). Identifiers: MedGen CN130014.

gnomAD v4.1: 1 of 1,505,826 alleles (0.000066%); highest among the groups gnomAD compares: African/African-American, 0.0014%; no homozygotes.

Submission:

Labcorp Genetics (formerly Invitae), Labcorp
Classification: Uncertain significance for EGFR-related lung cancer. Last evaluated: 2023-07-17. Review status: criteria provided, single submitter. Criteria: Invitae Variant Classification Sherloc (09022015). Collection method: clinical testing. Allele origin: germline.
Comment: This sequence change replaces serine, which is neutral and polar, with cysteine, which is neutral and slightly polar, at codon 4 of the EGFR protein (p.Ser4Cys). This variant is not present in population databases (gnomAD no frequency). This variant has not been reported in the literature in individuals affected with EGFR-related conditions. ClinVar contains an entry for this variant (Variation ID: 1377958). Algorithms developed to predict the effect of missense changes on protein structure and function output the following: SIFT: "Not Available"; PolyPhen-2: "Probably Damaging"; Align-GVGD: "Not Available". The cysteine amino acid residue is found in multiple mammalian species, which suggests that this missense change does not adversely affect protein function. In summary, the available evidence is currently insufficient to determine the role of this variant in disease. Therefore, it has been classified as a Variant of Uncertain Significance.